The following is an entry in ClinVar:

NM_000631.5(NCF4):c.605G>A (p.Arg202Gln)

Gene: NCF4 (neutrophil cytosolic factor 4; plus strand). Cytogenetic location: 22q12.3.
Variant type: single nucleotide variant.
Coding change: c.605G>A on transcript NM_000631.5 (MANE Select); coding-DNA position 605, G replaced by A.
Protein change: p.Arg202Gln; replaces arginine 202 with glutamine.
Molecular consequence: missense variant.
Genome position (GRCh38, 1-based): chr22:36,872,403, G>A. VCF-style: chr22-36872403-G-A. GRCh37 (hg19) VCF-style: chr22-37268445-G-A.
Other names: c.605G>A, p.Arg202Gln (NM_013416.4); c.605G>A (NM_013416.3); short protein forms R202Q.
Identifiers: ClinVar variation 1374918 (VCV001374918.4), dbSNP rs35355915, ClinGen allele CA10213091.

ClinVar aggregate classification (germline): Uncertain significance. Review status: criteria provided, multiple submitters, no conflicts (2 of 4 stars). 2 submissions from 2 submitters: Uncertain significance (2). Last evaluated 2025-06-18.

Conditions:
Granulomatous disease, chronic, autosomal recessive, cytochrome b-positive, type 3. Also called: GRANULOMATOUS DISEASE, CHRONIC, DUE TO NCF4 DEFICIENCY; Granulomatous disease, chronic, autosomal recessive, cytochrome b-positive, type III; GRANULOMATOUS DISEASE, CHRONIC, AUTOSOMAL RECESSIVE, 3; CGD, AUTOSOMAL RECESSIVE CYTOCHROME b-POSITIVE, TYPE III. Identifiers: Orphanet 379, MedGen C3151409, MONDO:0013507, OMIM 613960.

Allele frequency attached by ClinVar (database versions not stated): gnomAD 0.00002 and 0.00004; TOPMed 0.00002; ESP Exome Variant Server 0.00015.

Submissions (2):

Ambry Genetics
Classification: Uncertain significance. Last evaluated: 2025-06-18. Review status: criteria provided, single submitter. Criteria: Ambry Variant Classification Scheme 2023. Collection method: clinical testing. Allele origin: germline.

Labcorp Genetics (formerly Invitae), Labcorp
Classification: Uncertain significance for Granulomatous disease, chronic, autosomal recessive, cytochrome b-positive, type 3. Last evaluated: 2022-01-27. Review status: criteria provided, single submitter. Criteria: Invitae Variant Classification Sherloc (09022015). Collection method: clinical testing. Allele origin: germline.
Comment: This sequence change replaces arginine, which is basic and polar, with glutamine, which is neutral and polar, at codon 202 of the NCF4 protein (p.Arg202Gln). This variant is present in population databases (rs35355915, gnomAD 0.06%). This variant has not been reported in the literature in individuals affected with NCF4-related conditions. Algorithms developed to predict the effect of missense changes on protein structure and function are either unavailable or do not agree on the potential impact of this missense change (SIFT: "Tolerated"; PolyPhen-2: "Possibly Damaging"; Align-GVGD: "Class C0"). Algorithms developed to predict the effect of sequence changes on RNA splicing suggest that this variant may create or strengthen a splice site. In summary, the available evidence is currently insufficient to determine the role of this variant in disease. Therefore, it has been classified as a Variant of Uncertain Significance.